The following is an entry in ClinVar:

NM_014991.6(WDFY3):c.10117G>T (p.Glu3373Ter)

Gene: WDFY3 (WD repeat and FYVE domain containing 3; minus strand). Cytogenetic location: 4q21.23.
Variant type: single nucleotide variant.
Coding change: c.10117G>T on transcript NM_014991.6 (MANE Select); coding-DNA position 10117, G replaced by T.
Protein change: p.Glu3373Ter; replaces glutamic acid 3373 with a stop codon.
Molecular consequence: nonsense.
Genome position (GRCh38, 1-based): chr4:84,678,949, C>A on the plus strand (G>T on the coding strand, the complement: WDFY3 is on the minus strand). VCF-style: chr4-84678949-C-A. GRCh37 (hg19) VCF-style: chr4-85600102-C-A.
Other names: short protein forms E3373*.
Identifiers: ClinVar variation 3377092 (VCV003377092.1).

ClinVar aggregate classification (germline): Pathogenic (1 of 4 stars; one submission).

Conditions:
Neurodevelopmental disorder. Identifiers: MedGen C1535926, MeSH D065886, MONDO:0700092.

Submission:

Victorian Clinical Genetics Services, Murdoch Childrens Research Institute
Classification: Pathogenic for Neurodevelopmental disorder. Last evaluated: 2024-10-09. Review status: criteria provided, single submitter. Criteria: ACMG Guidelines, 2015. Collection method: clinical testing. Allele origin: germline. Inheritance: Autosomal dominant inheritance. Affected: yes.
Comment: Based on the classification scheme VCGS_Germline_v1.3.4, this variant is classified as Pathogenic. Following criteria are met: 0102 - Loss of function is a known mechanism of disease in this gene and is associated with neurodevelopmental disorder (MONDO:0700092), WDFY3-related. A macrocephaly phenotype is known to be caused by loss of function variants, while microcephaly 18, primary (MIM#617520) is likely due to gain of function and increased wnt signalling (PMID: 31327001, 27008544). (I) 0107 - This gene is associated with autosomal dominant disease. (I) 0201 - Variant is predicted to cause nonsense-mediated decay (NMD) and loss of protein (premature termination codon is located at least 54 nucleotides upstream of the final exon-exon junction). (SP) 0251 - This variant is heterozygous. (I) 0301 - Variant is absent from gnomAD (both v2 and v3). (SP) 0701 - Other NMD-predicted variants comparable to the one identified in this case have very strong previous evidence for pathogenicity. These variants have been reported as pathogenic, and observed in individuals with a neurodevelopmental disorder. Clinical features of these individuals included motor delay, speech delay and muscular hypotonia. The majority of these variants were de novo (ClinVar, PMID: 31327001). (SP) 0807 - This variant has no previous evidence of pathogenicity. (I) 0905 - No published segregation evidence has been identified for this variant. (I) 1007 - No published functional evidence has been identified for this variant. (I) 1208 - Inheritance information for this variant is not currently available in this individual. (I) Legend: (SP) - Supporting pathogenic, (I) - Information, (SB) - Supporting benign

Literature cited by the submitters: PubMed 27008544; PubMed 31327001.